The following is an entry in ClinVar:

ClinVar aggregate classification (germline): Pathogenic/Likely pathogenic. Review status: criteria provided, multiple submitters, no conflicts (2 of 4 stars). 2 submissions from 2 submitters: Pathogenic (1); Likely pathogenic (1). Last evaluated 2025-06-02.

Conditions:
Primary open angle glaucoma (POAG). Also called: OPTN-related open angle glaucoma. Identifiers: MedGen C0339573, MONDO:0100553, OMIM 137760.
Glaucoma 1, open angle, E. Identifiers: MedGen C1842026, MONDO:0007665.
Amyotrophic lateral sclerosis type 12 (ALS12). Also called: AMYOTROPHIC LATERAL SCLEROSIS 12 WITH OR WITHOUT FRONTOTEMPORAL DEMENTIA. Identifiers: Orphanet 803, MedGen C3150692, MONDO:0013264, OMIM 613435.

Allele frequency attached by ClinVar (database versions not stated): gnomAD exomes below 0.00001; gnomAD 0.00002; TOPMed 0.00002.
gnomAD v4.1: 9 of 1,613,874 alleles (0.00056%); highest among the groups gnomAD compares: Non-Finnish European, 0.00076%; no homozygotes.

Submissions (2):

Labcorp Genetics (formerly Invitae), Labcorp
Classification: Pathogenic for Primary open angle glaucoma; Glaucoma 1, open angle, E; Amyotrophic lateral sclerosis type 12. Last evaluated: 2025-06-02. Review status: criteria provided, single submitter. Criteria: Invitae Variant Classification Sherloc (09022015). Collection method: clinical testing. Allele origin: germline.
Comment: This sequence change creates a premature translational stop signal (p.Gln43*) in the OPTN gene. It is expected to result in an absent or disrupted protein product. Loss-of-function variants in OPTN are known to be pathogenic (PMID: 20428114). The frequency data for this variant in the population databases is considered unreliable, as metrics indicate poor data quality at this position in the gnomAD database. This variant has not been reported in the literature in individuals affected with OPTN-related conditions. ClinVar contains an entry for this variant (Variation ID: 489125). For these reasons, this variant has been classified as Pathogenic.

GeneDx
Classification: Likely pathogenic. Last evaluated: 2017-11-15. Review status: criteria provided, single submitter. Criteria: GeneDx Variant Classification (06012015). Collection method: clinical testing. Allele origin: germline. Affected: yes.
Comment: The Q43X variant in the OPTN gene has not been reported previously as a pathogenic variant nor as a benign variant, to our knowledge. This variant is predicted to cause loss of normal protein function either through protein truncation or nonsense-mediated mRNA decay. The Q43X variant is observed in 2/15000 (0.013%) alleles from individuals of non-Finnish European background in the ExAC dataset (Lek et al., 2016). We interpret Q43X as a likely pathogenic variant.

Literature cited by the submitters: PubMed 20428114 (cited by Labcorp Genetics (formerly Invitae), Labcorp).

NM_001008212.2(OPTN):c.127C>T (p.Gln43Ter)

Genes: OPTN (optineurin; plus strand), LOC108903148 (10p13 OPTN distal Alu-mediated recombination region; plus strand). Cytogenetic location: 10p13.
Variant type: single nucleotide variant.
Coding change: c.127C>T on transcript NM_001008212.2 (MANE Select); coding-DNA position 127, C replaced by T.
Protein change: p.Gln43Ter; replaces glutamine 43 with a stop codon.
Molecular consequence: nonsense.
Genome position (GRCh38, 1-based): chr10:13,109,249, C>T. VCF-style: chr10-13109249-C-T. GRCh37 (hg19) VCF-style: chr10-13151249-C-T.
Other names: c.127C>T, p.Gln43Ter (NM_001008211.1, NM_001008213.1, NM_021980.4); short protein forms Q43*.
Identifiers: ClinVar variation 489125 (VCV000489125.10), dbSNP rs934287314, ClinGen allele CA203254276.